The following is an entry in ClinVar:

ClinVar aggregate classification (germline): Conflicting classifications of pathogenicity. Review status: criteria provided, conflicting classifications (1 of 4 stars). 7 submissions from 7 submitters: Uncertain significance (5); Likely benign (1). 1 of the submissions does not count toward it. Last evaluated 2025-02-15.

Conditions:
Hereditary cancer-predisposing syndrome. Also called: Tumor predisposition; Hereditary Cancer Syndrome; Neoplastic Syndromes, Hereditary; Hereditary neoplastic syndrome. Identifiers: Orphanet 140162, MedGen C0027672, MeSH D009386, MONDO:0015356.
Breast-ovarian cancer, familial, susceptibility to, 2 (BROVCA2). Also called: BRCA2 Hereditary Breast and Ovarian Cancer. Identifiers: Orphanet 145, MedGen C2675520, MONDO:0012933, OMIM 612555. Disease mechanism: loss of function.
Familial cancer of breast. Also called: BREAST CANCER, FAMILIAL; Hereditary breast cancer; hereditary breast carcinoma. Identifiers: Orphanet 227535, MedGen C0346153, MONDO:0016419, OMIM 114480. Disease mechanism: loss of function.
Hereditary breast ovarian cancer syndrome. Also called: Hereditary breast and ovarian cancer; Breast and ovarian cancer; Hereditary breast and/or ovarian cancer syndrome; BRCA1- and BRCA2-Associated Hereditary Breast and Ovarian Cancer; Hereditary breast and ovarian cancer syndrome; Hereditary breast and ovarian cancer syndrome (HBOC). Identifiers: Orphanet 145, MedGen C0677776, MeSH D061325, MONDO:0003582. Disease mechanism: loss of function.

Allele frequency attached by ClinVar (database versions not stated): gnomAD 0.00001.
gnomAD v4.1: 2 of 1,613,790 alleles (0.00012%); highest among the groups gnomAD compares: African/African-American, 0.0027%; no homozygotes.

Submissions (7):

Ambry Genetics
Classification: Uncertain significance for Hereditary cancer-predisposing syndrome. Last evaluated: 2025-02-15. Review status: criteria provided, single submitter. Criteria: Ambry Variant Classification Scheme 2023. Collection method: clinical testing. Allele origin: germline.
Comment: The p.D932V variant (also known as c.2795A>T), located in coding exon 10 of the BRCA2 gene, results from an A to T substitution at nucleotide position 2795. The aspartic acid at codon 932 is replaced by valine, an amino acid with highly dissimilar properties. This amino acid position is not well conserved in available vertebrate species. In addition, the in silico prediction for this alteration is inconclusive. Based on the available evidence, the clinical significance of this variant remains unclear.

Women's Health and Genetics/Laboratory Corporation of America, LabCorp
Classification: Uncertain significance. Last evaluated: 2025-01-12. Review status: criteria provided, single submitter. Criteria: LabCorp Variant Classification Summary - May 2015. Collection method: clinical testing. Allele origin: germline.

GeneDx
Classification: Uncertain significance. Last evaluated: 2024-02-26. Review status: criteria provided, single submitter. Criteria: GeneDx Variant Classification Process June 2021. Collection method: clinical testing. Allele origin: germline. Affected: yes.
Comment: Not observed at significant frequency in large population cohorts (gnomAD); In silico analysis supports that this missense variant has a deleterious effect on protein structure/function; Has not been previously published as pathogenic or benign to our knowledge; Also known as 3023A>T; This variant is associated with the following publications: (PMID: 32377563, 29884841)

Department of Pathology and Laboratory Medicine, Sinai Health System
Classification: Uncertain significance for Familial cancer of breast; Breast-ovarian cancer, familial, susceptibility to, 2. Last evaluated: 2023-11-09. Review status: criteria provided, single submitter. Criteria: ACMG Guidelines, 2015. Collection method: clinical testing. Allele origin: germline. Affected: yes.

Labcorp Genetics (formerly Invitae), Labcorp
Classification: Uncertain significance for Hereditary breast ovarian cancer syndrome. Last evaluated: 2023-09-26. Review status: criteria provided, single submitter. Criteria: Invitae Variant Classification Sherloc (09022015). Collection method: clinical testing. Allele origin: germline.
Comment: This sequence change replaces aspartic acid, which is acidic and polar, with valine, which is neutral and non-polar, at codon 932 of the BRCA2 protein (p.Asp932Val). In summary, the available evidence is currently insufficient to determine the role of this variant in disease. Therefore, it has been classified as a Variant of Uncertain Significance. Advanced modeling of protein sequence and biophysical properties (such as structural, functional, and spatial information, amino acid conservation, physicochemical variation, residue mobility, and thermodynamic stability) performed at Invitae indicates that this missense variant is not expected to disrupt BRCA2 protein function. ClinVar contains an entry for this variant (Variation ID: 252825). This variant has not been reported in the literature in individuals affected with BRCA2-related conditions. This variant is present in population databases (no rsID available, gnomAD 0.01%).

University of Washington Department of Laboratory Medicine, University of Washington
Classification: Likely benign for Hereditary cancer-predisposing syndrome. Last evaluated: 2023-03-23. Review status: criteria provided, single submitter. Criteria: Dines et al. (Genet Med. 2020). Collection method: curation. Allele origin: germline.
Comment: Missense variant in a coldspot region where missense variants are very unlikely to be pathogenic (PMID:31911673).

BRCA2 exon 11 coldspot. Reclassification based on statistical prior probability.

Sharing Clinical Reports Project (SCRP)
Classification: Uncertain significance for Breast-ovarian cancer, familial 2. Last evaluated: 2013-08-01. Review status: no assertion criteria provided. Collection method: clinical testing. Allele origin: germline. Not counted in ClinVar's aggregate classification.

NM_000059.4(BRCA2):c.2795A>T (p.Asp932Val)

Gene: BRCA2 (BRCA2 DNA repair associated; plus strand). Cytogenetic location: 13q13.1.
Variant type: single nucleotide variant.
Coding change: c.2795A>T on transcript NM_000059.4 (MANE Select); coding-DNA position 2795, A replaced by T.
Protein change: p.Asp932Val; replaces aspartic acid 932 with valine.
Molecular consequence: missense variant.
Genome position (GRCh38, 1-based): chr13:32,337,150, A>T. VCF-style: chr13-32337150-A-T. GRCh37 (hg19) VCF-style: chr13-32911287-A-T.
Other names: 3023A>T; short protein forms D932V.
Identifiers: ClinVar variation 252825 (VCV000252825.20), dbSNP rs879255447, ClinGen allele CA10586063.